The following is an entry in ClinVar:

ClinVar aggregate classification (germline): Uncertain significance (1 of 4 stars; one submission).

Conditions:
Cardiovascular phenotype. Identifiers: MedGen CN230736.

Submission:

Ambry Genetics
Classification: Uncertain significance for Cardiovascular phenotype. Last evaluated: 2022-03-04. Review status: criteria provided, single submitter. Criteria: Ambry Variant Classification Scheme 2023. Collection method: clinical testing. Allele origin: germline.
Comment: The p.P173T variant (also known as c.517C>A), located in coding exon 4 of the MYOZ2 gene, results from a C to A substitution at nucleotide position 517. The proline at codon 173 is replaced by threonine, an amino acid with highly similar properties. This amino acid position is conserved. In addition, this alteration is predicted to be tolerated by in silico analysis. Since supporting evidence is limited at this time, the clinical significance of this alteration remains unclear.

NM_016599.5(MYOZ2):c.517C>A (p.Pro173Thr)

Gene: MYOZ2 (myozenin 2; plus strand). Cytogenetic location: 4q26.
Variant type: single nucleotide variant.
Coding change: c.517C>A on transcript NM_016599.5 (MANE Select); coding-DNA position 517, C replaced by A.
Protein change: p.Pro173Thr; replaces proline 173 with threonine.
Molecular consequence: missense variant.
Genome position (GRCh38, 1-based): chr4:119,164,351, C>A. VCF-style: chr4-119164351-C-A. GRCh37 (hg19) VCF-style: chr4-120085506-C-A.
Other names: short protein forms P173T.
Identifiers: ClinVar variation 1745837 (VCV001745837.2), dbSNP rs2149225285, ClinGen allele CA358204377.